The following is an entry in ClinVar:

NM_004168.4(SDHA):c.1058A>T (p.Glu353Val)

Gene: SDHA (succinate dehydrogenase complex flavoprotein subunit A; plus strand). Cytogenetic location: 5p15.33.
Variant type: single nucleotide variant.
Coding change: c.1058A>T on transcript NM_004168.4 (MANE Select); coding-DNA position 1058, A replaced by T.
Protein change: p.Glu353Val; replaces glutamic acid 353 with valine.
Molecular consequence: missense variant.
Genome position (GRCh38, 1-based): chr5:233,639, A>T. VCF-style: chr5-233639-A-T. GRCh37 (hg19) VCF-style: chr5-233754-A-T.
Other names: c.914A>T, p.Glu305Val (NM_001294332.2); c.1058A>T, p.Glu353Val (NM_001330758.2); short protein forms E305V, E353V.
Identifiers: ClinVar variation 3316837 (VCV003316837.1).

ClinVar aggregate classification (germline): Uncertain significance (1 of 4 stars; one submission).

Conditions:
Hereditary cancer-predisposing syndrome. Also called: Neoplastic Syndromes, Hereditary; Tumor predisposition; Hereditary neoplastic syndrome; Hereditary Cancer Syndrome. Identifiers: Orphanet 140162, MedGen C0027672, MeSH D009386, MONDO:0015356.

Submission:

Ambry Genetics
Classification: Uncertain significance for Hereditary cancer-predisposing syndrome. Last evaluated: 2024-04-19. Review status: criteria provided, single submitter. Criteria: Ambry Variant Classification Scheme 2023. Collection method: clinical testing. Allele origin: germline.
Comment: The p.E353V variant (also known as c.1058A>T), located in coding exon 8 of the SDHA gene, results from an A to T substitution at nucleotide position 1058. The glutamic acid at codon 353 is replaced by valine, an amino acid with dissimilar properties. This amino acid position is conserved. In addition, this alteration is predicted to be deleterious by in silico analysis. Based on the available evidence, the clinical significance of this variant remains unclear.